The following is an entry in ClinVar:

ClinVar aggregate classification (germline): Uncertain significance (1 of 4 stars; one submission).

Submission:

Labcorp Genetics (formerly Invitae), Labcorp
Classification: Uncertain significance. Last evaluated: 2026-01-24. Review status: criteria provided, single submitter. Criteria: Invitae Variant Classification Sherloc (09022015). Collection method: clinical testing. Allele origin: germline.
Comment: This sequence change replaces leucine, which is neutral and non-polar, with valine, which is neutral and non-polar, at codon 917 of the PITPNM3 protein (p.Leu917Val). This variant is not present in population databases (gnomAD no frequency). This variant has not been reported in the literature in individuals affected with PITPNM3-related conditions. Invitae Evidence Modeling of protein sequence and biophysical properties (such as structural, functional, and spatial information, amino acid conservation, physicochemical variation, residue mobility, and thermodynamic stability) indicates that this missense variant is not expected to disrupt PITPNM3 protein function with a negative predictive value of 80%. In summary, the available evidence is currently insufficient to determine the role of this variant in disease. Therefore, it has been classified as a Variant of Uncertain Significance.

NM_031220.4(PITPNM3):c.2749C>G (p.Leu917Val)

Gene: PITPNM3 (PITPNM family member 3; minus strand). Cytogenetic location: 17p13.2.
Variant type: single nucleotide variant.
Coding change: c.2749C>G on transcript NM_031220.4 (MANE Select); coding-DNA position 2749, C replaced by G.
Protein change: p.Leu917Val; replaces leucine 917 with valine.
Molecular consequence: missense variant.
Genome position (GRCh38, 1-based): chr17:6,455,514, G>C on the plus strand (C>G on the coding strand, the complement: PITPNM3 is on the minus strand). VCF-style: chr17-6455514-G-C. GRCh37 (hg19) VCF-style: chr17-6358834-G-C.
Other names: c.2641C>G, p.Leu881Val (NM_001165966.2); short protein forms L917V, L881V.
Identifiers: ClinVar variation 4743988 (VCV004743988.1).